The following is an entry in ClinVar:

ClinVar aggregate classification (germline): Benign (1 of 4 stars; one submission).

Allele frequency attached by ClinVar (database versions not stated): 1000 Genomes Project 0.00499; 1000 Genomes Project 30x 0.00500; TOPMed 0.00877; gnomAD 0.00942; ExAC 0.01027; ESP Exome Variant Server 0.01131; gnomAD exomes 0.01245.
gnomAD v4.1: 19,443 of 1,611,022 alleles (1.2%); highest among the groups gnomAD compares: Non-Finnish European, 1.4%; 150 homozygotes.

Submission:

CeGaT Center for Human Genetics Tuebingen
Classification: Benign. Last evaluated: 2025-06-01. Review status: criteria provided, single submitter. Criteria: CeGaT Center For Human Genetics Tuebingen Variant Classification Criteria Version 2. Collection method: clinical testing. Allele origin: germline. Affected: yes. Observed: 2 variant alleles.
Comment: MRTFB: BS1, BS2

NM_001308142.2(MRTFB):c.864C>A (p.His288Gln)

Gene: MRTFB (myocardin related transcription factor B; plus strand). Cytogenetic location: 16p13.12.
Variant type: single nucleotide variant.
Coding change: c.864C>A on transcript NM_001308142.2 (MANE Select); coding-DNA position 864, C replaced by A.
Protein change: p.His288Gln; replaces histidine 288 with glutamine.
Molecular consequence: missense variant.
Genome position (GRCh38, 1-based): chr16:14,240,269, C>A. VCF-style: chr16-14240269-C-A. GRCh37 (hg19) VCF-style: chr16-14334126-C-A.
Other names: c.831C>A, p.His277Gln (NM_001365411.2, NM_001365415.2); c.864C>A, p.His288Gln (NM_001365412.2, NM_014048.4); c.651C>A, p.His217Gln (NM_001365413.2, NM_001365414.2, NM_001365416.2); short protein forms H217Q, H277Q, H288Q.
Identifiers: ClinVar variation 2672618 (VCV002672618.23), dbSNP rs75963814, ClinGen allele CA7911150.